The following is an entry in ClinVar:

NM_004787.4(SLIT2):c.4566C>T (p.Cys1522=)

Gene: SLIT2 (slit guidance ligand 2; plus strand). Cytogenetic location: 4p15.31.
Variant type: single nucleotide variant.
Coding change: c.4566C>T on transcript NM_004787.4 (MANE Select); coding-DNA position 4566, C replaced by T.
Protein change: p.Cys1522=; no amino-acid change (cysteine 1522 retained).
Molecular consequence: synonymous variant.
Genome position (GRCh38, 1-based): chr4:20,618,985, C>T. VCF-style: chr4-20618985-C-T. GRCh37 (hg19) VCF-style: chr4-20620608-C-T.
Other names: c.4554C>T, p.Cys1518= (NM_001289135.3); c.4542C>T, p.Cys1514= (NM_001289136.3).
Identifiers: ClinVar variation 2179820 (VCV002179820.8), dbSNP rs200637778, ClinGen allele CA2872483.
Genomic context (GRCh38, chr4:20,618,985, plus strand): 5'-CTCTTTCGAATGCACTGACGGCTCCTCCTTTGTGGACGAGGTTGAGAAAGTGGTGAAGTG[C>T]GGCTGTACGAGGTGTGTGTCCTAAACACACTCCCGGCAGCTCTGTCTTTGGAAAAGGTTG-3'
Protein context (NP_004778.1, residues 1512-1529): FVDEVEKVVK[Cys1522=]GCTRCVS

ClinVar aggregate classification (germline): Likely benign. Review status: criteria provided, multiple submitters, no conflicts (2 of 4 stars). 2 submissions from 2 submitters: Likely benign (2). Last evaluated 2026-02-01.

Allele frequency attached by ClinVar (database versions not stated): gnomAD exomes 0.00003; gnomAD 0.00004; ExAC 0.00006.
gnomAD v4.1: 59 of 1,613,786 alleles (0.0037%); highest among the groups gnomAD compares: Admixed American, 0.02%; no homozygotes.

Submissions (2):

CeGaT Center for Human Genetics Tuebingen
Classification: Likely benign. Last evaluated: 2026-02-01. Review status: criteria provided, single submitter. Criteria: CeGaT Center For Human Genetics Tuebingen Variant Classification Criteria Version 2. Collection method: clinical testing. Allele origin: germline. Affected: yes. Observed: 1 variant allele.
Comment: SLIT2: BP4, BP7

Labcorp Genetics (formerly Invitae), Labcorp
Classification: Likely benign. Last evaluated: 2022-06-08. Review status: criteria provided, single submitter. Criteria: Invitae Variant Classification Sherloc (09022015). Collection method: clinical testing. Allele origin: germline.